The following continues an entry in ClinVar:

NM_000059.4(BRCA2):c.8036A>G (p.Asp2679Gly)

Gene: BRCA2. ClinVar aggregate classification (germline): Conflicting classifications of pathogenicity. Uncertain significance (7); Likely benign (4).

Submissions 8 to 13 of 13:

Laboratorio de Genetica e Diagnostico Molecular, Hospital Israelita Albert Einstein
Classification: Uncertain significance for Breast-ovarian cancer, familial, susceptibility to, 2. Last evaluated: 2022-04-27. Review status: criteria provided, single submitter. Criteria: ACMG Guidelines, 2015. Collection method: clinical testing. Allele origin: germline. Affected: yes. Observed: 1 variant allele.
Comment: ACMG classification criteria: PM2 moderated

Sema4
Classification: Uncertain significance for Hereditary cancer-predisposing syndrome. Last evaluated: 2021-12-27. Review status: criteria provided, single submitter. Criteria: Sema4 Curation Guidelines. Collection method: curation. Allele origin: germline.
Comment: The BRCA2 c.8036A>G (p.D2679G) variant has been reported in heterozygosity in at least one individual with breast cancer and one with ovarian cancer (PMID: 33471991, 33008098). It was observed in 6/35420 chromosomes of the Latino subpopulation in the large and broad cohorts of the Genome Aggregation Database. The variant has been reported in ClinVar (Variation ID 52481). In silico tools suggest the impact of the variant on protein function is deleterious; however assays evaluating homology directed repair have demonstrated normal functioning of the protein (PMID: 23108138, 29394989). The evidence is insufficient to meet ACMG/AMP criteria for classifying the variant as benign or pathogenic. Thus, the clinical significance of this variant is currently uncertain.

Ambry Genetics
Classification: Likely benign for Hereditary cancer-predisposing syndrome. Last evaluated: 2020-06-04. Review status: criteria provided, single submitter. Criteria: Ambry Variant Classification Scheme 2023. Collection method: clinical testing. Allele origin: germline.

GeneDx
Classification: Likely benign. Last evaluated: 2018-02-22. Review status: criteria provided, single submitter. Criteria: GeneDx Variant Classification (06012015). Collection method: clinical testing. Allele origin: germline. Affected: yes.
Comment: This variant is considered likely benign or benign based on one or more of the following criteria: it is a conservative change, it occurs at a poorly conserved position in the protein, it is predicted to be benign by multiple in silico algorithms, and/or has population frequency not consistent with disease.

Counsyl
Classification: Uncertain significance for Breast-ovarian cancer, familial, susceptibility to, 2. Last evaluated: 2016-08-31. Review status: no assertion criteria provided. Collection method: clinical testing. Allele origin: unknown. Not counted in ClinVar's aggregate classification.

Breast Cancer Information Core (BIC) (BRCA2)
Classification: Uncertain significance for Breast-ovarian cancer, familial 2. Last evaluated: 2001-10-29. Review status: no assertion criteria provided. Collection method: clinical testing. Allele origin: germline. Affected: yes. Observed: 2 variant alleles. Not counted in ClinVar's aggregate classification.

Literature cited by the submitters: PubMed 33008098 (cited by 5 submitters); PubMed 33609447 (cited by 5 submitters); PubMed 23108138 (cited by 6 submitters); PubMed 29884841 (cited by 6 submitters); PubMed 35736817 (cited by 3 submitters); PubMed 19043619 (cited by 3 submitters); PubMed 24323938 (cited by Women's Health and Genetics/Laboratory Corporation of America, LabCorp and Ambry Genetics); PubMed 24817641 (cited by 3 submitters); PubMed 29394989 (cited by 3 submitters); PubMed 32850417 (cited by Women's Health and Genetics/Laboratory Corporation of America, LabCorp); PubMed 33471991 (cited by 4 submitters).